The following is an entry in ClinVar:

NM_000260.4(MYO7A):c.4793T>A (p.Leu1598Gln)

Gene: MYO7A (myosin VIIA; plus strand). Cytogenetic location: 11q13.5.
Variant type: single nucleotide variant.
Coding change: c.4793T>A on transcript NM_000260.4 (MANE Select); coding-DNA position 4793, T replaced by A.
Protein change: p.Leu1598Gln; replaces leucine 1598 with glutamine.
Molecular consequence: missense variant.
Genome position (GRCh38, 1-based): chr11:77,199,759, T>A. VCF-style: chr11-77199759-T-A. GRCh37 (hg19) VCF-style: chr11-76910804-T-A.
Other names: c.4679T>A, p.Leu1560Gln (NM_001127180.2); c.4646T>A, p.Leu1549Gln (NM_001369365.1); short protein forms L1560Q, L1598Q, L1549Q.
Identifiers: ClinVar variation 3669154 (VCV003669154.2).

ClinVar aggregate classification (germline): Uncertain significance (1 of 4 stars; one submission).

gnomAD v4.1: 1 of 1,612,622 alleles (0.000062%); highest among the groups gnomAD compares: Non-Finnish European, 0.000085%; no homozygotes.

Submission:

Labcorp Genetics (formerly Invitae), Labcorp
Classification: Uncertain significance. Last evaluated: 2025-03-17. Review status: criteria provided, single submitter. Criteria: Invitae Variant Classification Sherloc (09022015). Collection method: clinical testing. Allele origin: germline.
Comment: This sequence change replaces leucine, which is neutral and non-polar, with glutamine, which is neutral and polar, at codon 1598 of the MYO7A protein (p.Leu1598Gln). This variant is not present in population databases (gnomAD no frequency). This variant has not been reported in the literature in individuals affected with MYO7A-related conditions. Invitae Evidence Modeling of protein sequence and biophysical properties (such as structural, functional, and spatial information, amino acid conservation, physicochemical variation, residue mobility, and thermodynamic stability) has been performed for this missense variant. However, the output from this modeling did not meet the statistical confidence thresholds required to predict the impact of this variant on MYO7A protein function. In summary, the available evidence is currently insufficient to determine the role of this variant in disease. Therefore, it has been classified as a Variant of Uncertain Significance.